The following is an entry in ClinVar:

ClinVar aggregate classification (germline): Likely benign. Review status: criteria provided, multiple submitters, no conflicts (2 of 4 stars). 2 submissions from 2 submitters: Likely benign (2). Last evaluated 2023-06-23.

Conditions:
Autosomal recessive distal spinal muscular atrophy 1. Also called: NEURONOPATHY, DISTAL HEREDITARY MOTOR, HARDING TYPE VI; NEUROPATHY, DISTAL HEREDITARY MOTOR, AUTOSOMAL RECESSIVE 1; HMN VI; NEURONOPATHY, SEVERE INFANTILE AXONAL, WITH RESPIRATORY FAILURE; SEVERE INFANTILE AXONAL NEUROPATHY WITH RESPIRATORY FAILURE; SPINAL MUSCULAR ATROPHY, DIAPHRAGMATIC. Identifiers: Orphanet 98920, MedGen C1858517, MONDO:0011436, OMIM 604320.
Charcot-Marie-Tooth disease axonal type 2S. Also called: CHARCOT-MARIE-TOOTH NEUROPATHY, TYPE 2S; CHARCOT-MARIE-TOOTH DISEASE, AXONAL, AUTOSOMAL RECESSIVE, TYPE 2S. Identifiers: Orphanet 443073, MedGen C4015349, MONDO:0014511, OMIM 616155.

Allele frequency attached by ClinVar (database versions not stated): TOPMed below 0.00001; gnomAD exomes 0.00001.
gnomAD v4.1: 3 of 1,613,844 alleles (0.00019%); highest among the groups gnomAD compares: Non-Finnish European, 0.00025%; no homozygotes.

Submissions (2):

Labcorp Genetics (formerly Invitae), Labcorp
Classification: Likely benign for Autosomal recessive distal spinal muscular atrophy 1; Charcot-Marie-Tooth disease axonal type 2S. Last evaluated: 2023-06-23. Review status: criteria provided, single submitter. Criteria: Invitae Variant Classification Sherloc (09022015). Collection method: clinical testing. Allele origin: germline.

CeGaT Center for Human Genetics Tuebingen
Classification: Likely benign. Last evaluated: 2022-11-01. Review status: criteria provided, single submitter. Criteria: CeGaT Center For Human Genetics Tuebingen Variant Classification Criteria Version 2. Collection method: clinical testing. Allele origin: germline. Affected: yes. Observed: 1 variant allele.
Comment: IGHMBP2: PM2:Supporting, BP4, BP7

NM_002180.3(IGHMBP2):c.1974T>G (p.Gly658=)

Gene: IGHMBP2 (immunoglobulin mu DNA binding protein 2; plus strand). Cytogenetic location: 11q13.3.
Variant type: single nucleotide variant.
Coding change: c.1974T>G on transcript NM_002180.3 (MANE Select); coding-DNA position 1974, T replaced by G.
Protein change: p.Gly658=; no amino-acid change (glycine 658 retained).
Molecular consequence: synonymous variant.
Genome position (GRCh38, 1-based): chr11:68,936,454, T>G. VCF-style: chr11-68936454-T-G. GRCh37 (hg19) VCF-style: chr11-68703922-T-G.
Identifiers: ClinVar variation 1587896 (VCV001587896.32), dbSNP rs1859531837, ClinGen allele CA475278976.
Genomic context (GRCh38, chr11:68,936,454, plus strand): 5'-GGCCTTTGAGTATCTTGACGATATTGTCCCAGAAAACTATTCCCATGAGAACTCCCAGGG[T>G]TCCAGCCACGCTGCCACCAAGCCCCAGGGACCTGCTACGTCCACCAGGACCGGAAGCCAG-3'
Protein context (NP_002171.2, residues 648-668): PENYSHENSQ[Gly658=]SSHAATKPQG